The following is an entry in ClinVar:

NM_024635.4(NAA35):c.1833T>G (p.Ser611Arg)

Gene: NAA35 (N-alpha-acetyltransferase 35, NatC auxiliary subunit; plus strand). Cytogenetic location: 9q21.33.
Variant type: single nucleotide variant.
Coding change: c.1833T>G on transcript NM_024635.4 (MANE Select); coding-DNA position 1833, T replaced by G.
Protein change: p.Ser611Arg; replaces serine 611 with arginine.
Molecular consequence: missense variant.
Genome position (GRCh38, 1-based): chr9:86,018,314, T>G. VCF-style: chr9-86018314-T-G. GRCh37 (hg19) VCF-style: chr9-88633229-T-G.
Other names: c.1833T>G, p.Ser611Arg (NM_001321881.2, NM_001321882.2); short protein forms S611R.
Identifiers: ClinVar variation 2345845 (VCV002345845.5), dbSNP rs201797022, ClinGen allele CA5107531.
Genomic context (GRCh38, chr9:86,018,314, plus strand): 5'-GACCATGGTAGCATTTGACATGGACGGCAAAGTACGTAAACCGAAGTTTGAGCTTGATAG[T>G]GAACAAGTTCGGTATGAACACAGGTTTGCTCCATTCAACAGTGTGATGACCCCGCCGCCA-3'
Protein context (NP_078911.3, residues 601-621): KVRKPKFELD[Ser611Arg]EQVRYEHRFA

ClinVar aggregate classification (germline): Uncertain significance. Review status: criteria provided, multiple submitters, no conflicts (2 of 4 stars). 2 submissions from 2 submitters: Uncertain significance (2). Last evaluated 2024-08-31.

Allele frequency attached by ClinVar (database versions not stated): gnomAD exomes 0.00004; ExAC 0.00008; gnomAD 0.00023; TOPMed 0.00025.
gnomAD v4.1: 94 of 1,614,070 alleles (0.0058%); highest among the groups gnomAD compares: African/African-American, 0.092%; no homozygotes.

Submissions (2):

Labcorp Genetics (formerly Invitae), Labcorp
Classification: Uncertain significance. Last evaluated: 2024-08-31. Review status: criteria provided, single submitter. Criteria: Invitae Variant Classification Sherloc (09022015). Collection method: clinical testing. Allele origin: germline.
Comment: This sequence change replaces serine, which is neutral and polar, with arginine, which is basic and polar, at codon 611 of the NAA35 protein (p.Ser611Arg). This variant is present in population databases (rs201797022, gnomAD 0.09%), and has an allele count higher than expected for a pathogenic variant. This variant has not been reported in the literature in individuals affected with NAA35-related conditions. ClinVar contains an entry for this variant (Variation ID: 2345845). An algorithm developed to predict the effect of missense changes on protein structure and function (PolyPhen-2) suggests that this variant is likely to be tolerated. In summary, the available evidence is currently insufficient to determine the role of this variant in disease. Therefore, it has been classified as a Variant of Uncertain Significance.

Ambry Genetics
Classification: Uncertain significance. Last evaluated: 2021-09-17. Review status: criteria provided, single submitter. Criteria: Ambry Variant Classification Scheme 2023. Collection method: clinical testing. Allele origin: germline.